The following is an entry in ClinVar:

NM_000038.6(APC):c.2925_2926del (p.Gly977fs)

Gene: APC (APC regulator of Wnt signaling pathway; plus strand). Cytogenetic location: 5q22.2.
Variant type: Deletion.
Coding change: c.2925_2926del on transcript NM_000038.6 (MANE Select); coding-DNA positions 2925 to 2926, 2 bases deleted (AA; older notation c.2925_2926delAA).
Protein change: p.Gly977fs; shifts the reading frame from glycine 977.
Molecular consequence: frameshift variant. On other transcripts: non-coding transcript variant (2).
Genome position (GRCh38, 1-based): chr5:112,838,519-112,838,520, AA deleted; deleting any 2 consecutive bases within chr5:112,838,517-112,838,520 gives the same sequence; the c. name uses the placement nearest the transcript's 3' end. VCF-style (leftmost placement, unchanged base first): chr5-112838516-TAA-T. GRCh37 (hg19) VCF-style: chr5-112174213-TAA-T.
Other names: c.2925_2926del, p.Gly977fs (NM_001127510.3, NM_001354895.2, NM_001407450.1); c.2871_2872del, p.Gly959fs (NM_001127511.3); c.2979_2980del, p.Gly995fs (NM_001354896.2, NM_001407447.1, NM_001407448.1 and 1 more transcripts); c.2955_2956del, p.Gly987fs (NM_001354897.2); c.2850_2851del, p.Gly952fs (NM_001354898.2); c.2841_2842del, p.Gly949fs (NM_001354899.2); c.2802_2803del, p.Gly936fs (NM_001354900.2); c.2748_2749del, p.Gly918fs (NM_001354901.2, NM_001407453.1); and 11 more; short protein forms G1005fs, G593fs, G694fs, G817fs, G848fs, G851fs, G876fs, G886fs.
Identifiers: ClinVar variation 2584318 (VCV002584318.2), dbSNP rs1554084587, ClinGen allele CA2582341456.

ClinVar aggregate classification (germline): Pathogenic (1 of 4 stars; one submission).

Conditions:
Familial adenomatous polyposis 1 (FAP1). Also called: FAMILIAL ADENOMATOUS POLYPOSIS 1, ATTENUATED; POLYPOSIS, ADENOMATOUS INTESTINAL. Identifiers: MedGen C2713442, MONDO:0021056, OMIM 175100. Disease mechanism: loss of function.

Submission:

Myriad Genetics, Inc.
Classification: Pathogenic for Familial adenomatous polyposis 1. Last evaluated: 2023-05-05. Review status: criteria provided, single submitter. Criteria: Myriad Autosomal Dominant, Autosomal Recessive and X-Linked Classification Criteria (2023). Collection method: clinical testing. Allele origin: unknown.
Comment: This variant is considered pathogenic. This variant creates a frameshift predicted to result in premature protein truncation.